The following is an entry in ClinVar:

ClinVar aggregate classification (germline): Uncertain significance. Review status: criteria provided, multiple submitters, no conflicts (2 of 4 stars). 2 submissions from 2 submitters: Uncertain significance (2). Last evaluated 2025-03-16.

Conditions:
Hypertrophic cardiomyopathy. Also called: HYPERTROPHIC MYOCARDIOPATHY. Identifiers: Orphanet 217569, MedGen C0007194, MeSH D002312, MONDO:0005045, HP:0001639.

Allele frequency attached by ClinVar (database versions not stated): 1000 Genomes Project 0.00020; 1000 Genomes Project 30x 0.00016; ExAC 0.00002; gnomAD exomes below 0.00001; gnomAD 0.00001.
gnomAD v4.1: 5 of 1,613,956 alleles (0.00031%); highest among the groups gnomAD compares: East Asian, 0.0089%; no homozygotes.

Submissions (2):

Labcorp Genetics (formerly Invitae), Labcorp
Classification: Uncertain significance for Hypertrophic cardiomyopathy. Last evaluated: 2025-03-16. Review status: criteria provided, single submitter. Criteria: Invitae Variant Classification Sherloc (09022015). Collection method: clinical testing. Allele origin: germline.
Comment: This sequence change replaces isoleucine, which is neutral and non-polar, with threonine, which is neutral and polar, at codon 1294 of the MYOM1 protein (p.Ile1294Thr). This variant is present in population databases (rs200188334, gnomAD 0.02%). This variant has not been reported in the literature in individuals affected with MYOM1-related conditions. ClinVar contains an entry for this variant (Variation ID: 1805288). Invitae Evidence Modeling of protein sequence and biophysical properties (such as structural, functional, and spatial information, amino acid conservation, physicochemical variation, residue mobility, and thermodynamic stability) indicates that this missense variant is not expected to disrupt MYOM1 protein function with a negative predictive value of 80%. In summary, the available evidence is currently insufficient to determine the role of this variant in disease. Therefore, it has been classified as a Variant of Uncertain Significance.

Victorian Clinical Genetics Services, Murdoch Childrens Research Institute
Classification: Uncertain significance for Hypertrophic cardiomyopathy. Last evaluated: 2020-10-19. Review status: criteria provided, single submitter. Criteria: ACMG Guidelines, 2015. Collection method: clinical testing. Allele origin: germline. Inheritance: Autosomal dominant inheritance.
Comment: Based on the classification scheme VCGS_Germline_v1.3.3, this variant is classified as a VUS-3C. Following criteria are met: 0105 - The mechanism of disease for this gene is not clearly established. Loss of function is indicated from functional studies in PMID: 21256114. (I) 0107 - This gene is known to be associated with autosomal dominant disease, although there is limited evidence, and there is no disease associated with this gene in OMIM. There are a few reports of putative variants causing HCM in families with autosomal dominant inheritance (PMID: 21256114, PMID: 27600940, PMID: 26656175). (I) 0112 - Variants in this gene are known to have reduced penetrance. There is one report of age-related disease penetrance for a missense variant segregating in a family with HCM (PMID: 21256114). (I) 0200 - Variant is predicted to result in a missense amino acid change from isoleucine to threonine. (I) 0251 - This variant is heterozygous. (I) 0302 - Variant is present in gnomAD (v 2.1.1) <0.001 for a dominant condition (3 heterozygotes, 0 homozygotes). (SP) 0309 - An alternative amino acid change at the same position has been observed in gnomAD (v2.1.1) (1 heterozygote, 0 homozygotes). (I) 0503 - Missense variant consistently predicted to be tolerated by multiple in silico tools or not conserved in placental mammals with a minor amino acid change. Moderate change, low conservation. (SB) 0604 - Variant is not located in an established domain, motif, hotspot or informative constraint region. (I) 0705 - No comparable variants have previous evidence for pathogenicity. (I) 0807 - This variant has no previous evidence of pathogenicity. (I) 0905 - No published segregation evidence has been identified for this variant. (I) 1007 - No published functional evidence has been identified for this variant. (I) 1208 - Inheritance information for this variant is not currently available in this individual. (I) Legend: (SP) - Supporting Pathogenic, (I) – Information, (SB) – Supporting Benign

Literature cited by the submitters: PubMed 21256114 (cited by Victorian Clinical Genetics Services, Murdoch Childrens Research Institute); PubMed 26656175 (cited by Victorian Clinical Genetics Services, Murdoch Childrens Research Institute); PubMed 27600940 (cited by Victorian Clinical Genetics Services, Murdoch Childrens Research Institute).

NM_003803.4(MYOM1):c.3881T>C (p.Ile1294Thr)

Gene: MYOM1 (myomesin 1; minus strand). Cytogenetic location: 18p11.31.
Variant type: single nucleotide variant.
Coding change: c.3881T>C on transcript NM_003803.4 (MANE Select); coding-DNA position 3881, T replaced by C.
Protein change: p.Ile1294Thr; replaces isoleucine 1294 with threonine.
Molecular consequence: missense variant.
Genome position (GRCh38, 1-based): chr18:3,090,786, A>G on the plus strand (T>C on the coding strand, the complement: MYOM1 is on the minus strand). VCF-style: chr18-3090786-A-G. GRCh37 (hg19) VCF-style: chr18-3090784-A-G.
Other names: c.3593T>C, p.Ile1198Thr (NM_019856.2); short protein forms I1198T, I1294T.
Identifiers: ClinVar variation 1805288 (VCV001805288.2), dbSNP rs200188334, ClinGen allele CA8874126.